The following is an entry in ClinVar:

ClinVar aggregate classification (germline): Conflicting classifications of pathogenicity. Review status: criteria provided, conflicting classifications (1 of 4 stars). 5 submissions from 4 submitters: Uncertain significance (4); Likely benign (1). Last evaluated 2026-07-30.

Conditions:
Mitochondrial complex I deficiency, nuclear type 22. Also called: Mitochondrial complex 1 deficiency, nuclear type 22. Identifiers: MedGen C4748796, MONDO:0032626, OMIM 618243.
Inborn genetic diseases. Identifiers: MedGen C0950123, MeSH D030342.
Mitochondrial complex I deficiency, nuclear type 1. Also called: NADH-COENZYME Q REDUCTASE DEFICIENCY; MITOCHONDRIAL NADH DEHYDROGENASE COMPONENT OF COMPLEX I, DEFICIENCY OF. Identifiers: MedGen C6022305, MONDO:0100224, OMIM 252010.
Leigh syndrome (NULS). Also called: Leigh Disease; Leigh Syndrome (mtDNA deletion); Leigh's necrotizing encephalopathy; Leigh's disease; LEIGH SYNDROME, NUCLEAR; Leigh's syndrome. Identifiers: Orphanet 506, MedGen C2931891, MONDO:0009723, OMIM 256000.

Allele frequency attached by ClinVar (database versions not stated): gnomAD 0.00005 and 0.00006; TOPMed 0.00009; gnomAD exomes 0.00011; 1000 Genomes Project 30x 0.00031.
gnomAD v4.1: 109 of 1,500,848 alleles (0.0073%); highest among the groups gnomAD compares: East Asian, 0.05%; no homozygotes.

Submissions (5):

GeneDx
Classification: Uncertain significance. Last evaluated: 2026-07-30. Review status: criteria provided, single submitter. Criteria: GeneDx Variant Classification Process June 2021. Collection method: clinical testing. Allele origin: germline.
Comment: In silico analysis suggests that this missense variant does not alter protein structure/function; Has not been previously published as pathogenic or benign to our knowledge

Ambry Genetics
Classification: Likely benign for Inborn genetic diseases. Last evaluated: 2023-12-15. Review status: criteria provided, single submitter. Criteria: Ambry Variant Classification Scheme 2023. Collection method: clinical testing. Allele origin: germline.

Department of Pathology and Laboratory Medicine, Sinai Health System
Classification: Uncertain significance for Mitochondrial complex I deficiency, nuclear type 22. Last evaluated: 2022-10-03. Review status: criteria provided, single submitter. Criteria: ACMG Guidelines, 2015. Collection method: research. Allele origin: germline.

Illumina Laboratory Services, Illumina
Classification: Uncertain significance for Mitochondrial complex I deficiency, nuclear type 1. Last evaluated: 2018-01-13. Review status: criteria provided, single submitter. Criteria: ICSL Variant Classification Criteria 13 December 2019. Collection method: clinical testing. Allele origin: germline.

Illumina Laboratory Services, Illumina
Classification: Uncertain significance for Leigh syndrome. Last evaluated: 2018-01-13. Review status: criteria provided, single submitter. Criteria: ICSL Variant Classification Criteria 13 December 2019. Collection method: clinical testing. Allele origin: germline.

NM_004544.4(NDUFA10):c.41C>G (p.Ser14Cys)

Gene: NDUFA10 (NADH:ubiquinone oxidoreductase subunit A10; minus strand). Cytogenetic location: 2q37.3.
Variant type: single nucleotide variant.
Coding change: c.41C>G on transcript NM_004544.4 (MANE Select); coding-DNA position 41, C replaced by G.
Protein change: p.Ser14Cys; replaces serine 14 with cysteine.
Molecular consequence: missense variant. On other transcripts: non-coding transcript variant (4).
Genome position (GRCh38, 1-based): chr2:240,025,261, G>C on the plus strand (C>G on the coding strand, the complement: NDUFA10 is on the minus strand). VCF-style: chr2-240025261-G-C. GRCh37 (hg19) VCF-style: chr2-240964678-G-C.
Other names: c.41C>G, p.Ser14Cys (NM_001322019.2, NM_001322020.2); short protein forms S14C.
Identifiers: ClinVar variation 895859 (VCV000895859.8), dbSNP rs928084265, ClinGen allele CA68073082.